The following is an entry in ClinVar:

NM_003119.4(SPG7):c.696G>T (p.Glu232Asp)

Gene: SPG7 (SPG7 matrix AAA peptidase subunit, paraplegin; plus strand). Cytogenetic location: 16q24.3.
Variant type: single nucleotide variant.
Coding change: c.696G>T on transcript NM_003119.4 (MANE Select); coding-DNA position 696, G replaced by T.
Protein change: p.Glu232Asp; replaces glutamic acid 232 with aspartic acid.
Molecular consequence: missense variant.
Genome position (GRCh38, 1-based): chr16:89,526,406, G>T. VCF-style: chr16-89526406-G-T. GRCh37 (hg19) VCF-style: chr16-89592814-G-T.
Other names: c.696G>T, p.Glu232Asp (NM_001363850.1, NM_199367.3); short protein forms E232D.
Identifiers: ClinVar variation 2143739 (VCV002143739.4), dbSNP rs766011313, ClinGen allele CA8243738.

ClinVar aggregate classification (germline): Uncertain significance (1 of 4 stars; one submission).

Conditions:
Hereditary spastic paraplegia 7 (SPG7). Also called: Spastic paraplegia 7; Hereditary spastic paraplegia Paraplegin type; SPG7-related neurologic disorder; SPASTIC PARAPLEGIA 7, AUTOSOMAL RECESSIVE, WITH OR WITHOUT CEREBELLAR ATAXIA; Autosomal recessive spastic paraplegia type 7. Identifiers: Orphanet 99013, MedGen C1846564, MONDO:0011803, OMIM 607259.

Allele frequency attached by ClinVar (database versions not stated): gnomAD exomes below 0.00001; ExAC 0.00001.
gnomAD v4.1: 1 of 1,614,200 alleles (0.000062%); highest among the groups gnomAD compares: East Asian, 0.0022%; no homozygotes.

Submission:

Labcorp Genetics (formerly Invitae), Labcorp
Classification: Uncertain significance for Hereditary spastic paraplegia 7. Last evaluated: 2024-10-22. Review status: criteria provided, single submitter. Criteria: Invitae Variant Classification Sherloc (09022015). Collection method: clinical testing. Allele origin: germline.
Comment: This sequence change replaces glutamic acid, which is acidic and polar, with aspartic acid, which is acidic and polar, at codon 232 of the SPG7 protein (p.Glu232Asp). This variant is present in population databases (rs766011313, gnomAD 0.006%). This variant has not been reported in the literature in individuals affected with SPG7-related conditions. ClinVar contains an entry for this variant (Variation ID: 2143739). Invitae Evidence Modeling of protein sequence and biophysical properties (such as structural, functional, and spatial information, amino acid conservation, physicochemical variation, residue mobility, and thermodynamic stability) indicates that this missense variant is not expected to disrupt SPG7 protein function with a negative predictive value of 80%. In summary, the available evidence is currently insufficient to determine the role of this variant in disease. Therefore, it has been classified as a Variant of Uncertain Significance.